The following is an entry in ClinVar:

NM_175914.5(HNF4A):c.869G>A (p.Arg290His)

Gene: HNF4A (hepatocyte nuclear factor 4 alpha; plus strand). Cytogenetic location: 20q13.12.
Variant type: single nucleotide variant.
Coding change: c.869G>A on transcript NM_175914.5 (MANE Select); coding-DNA position 869, G replaced by A.
Protein change: p.Arg290His; replaces arginine 290 with histidine.
Molecular consequence: missense variant.
Genome position (GRCh38, 1-based): chr20:44,424,060, G>A. VCF-style: chr20-44424060-G-A. GRCh37 (hg19) VCF-style: chr20-43052700-G-A.
Other names: NM_175914.5(HNF4A):c.869G>A; p.Arg290His; c.869G>A (NM_175914.3); c.935G>A, p.Arg312His (NM_000457.6, NM_178849.3, NM_178850.3); c.869G>A, p.Arg290His (NM_001030003.3, NM_001030004.3); c.914G>A, p.Arg305His (NM_001258355.2); c.860G>A, p.Arg287His (NM_001287182.2, NM_001287183.2, NM_001287184.2); short protein forms R312H, R305H, R287H, R290H.
Identifiers: ClinVar variation 804918 (VCV000804918.28), dbSNP rs1191912908, ClinGen allele CA409108072.

ClinVar aggregate classification (germline): Pathogenic. Review status: reviewed by expert panel (3 of 4 stars). 10 submissions from 10 submitters: Pathogenic (1). 9 of the submissions do not count toward it. Last evaluated 2024-04-06.

Conditions:
Monogenic diabetes. Identifiers: Orphanet 183625, MedGen C3888631, MONDO:0015967.
HNF4A-related disorders.
Maturity-onset diabetes of the young (MODY). Also called: Maturity onset diabetes mellitus in young. Identifiers: Orphanet 552, MedGen C0342276, MONDO:0018911, HP:0004904.
Maturity-onset diabetes of the young type 1. Also called: MODY, type I; MODY type 1; Diabetes mellitus MODY type 1; MODY HNF4A related; MILD JUVENILE DIABETES MELLITUS; HNF4A-Related Maturity-Onset Diabetes of the Young Type 1. Identifiers: Orphanet 552, MedGen C1852093, MONDO:0007452, OMIM 125850. Disease mechanism: loss of function.
HNF4A-related disorder. Also called: HNF4A-related condition.

Allele frequency attached by ClinVar (database versions not stated): gnomAD exomes below 0.00001.
gnomAD v4.1: 4 of 1,613,278 alleles (0.00025%); highest among the groups gnomAD compares: Non-Finnish European, 0.00034%; no homozygotes.

Submissions 1 to 8 of 10:

ClinGen Monogenic Diabetes Variant Curation Expert Panel
Classification: Pathogenic for Monogenic diabetes. Last evaluated: 2024-04-06. Review status: reviewed by expert panel. Criteria: ClinGen Diabetes ACMG Specifications HNF4A V2.0.0. Collection method: curation. Allele origin: germline. Inheritance: Autosomal dominant inheritance.
Comment: The c.869G>A variant in the hepatocyte nuclear factor 4-alpha gene, HNF4A, causes an amino acid change of arginine to histidine at codon 290 (p.(Arg290His)) of NM_175914.5. This variant is predicted to be deleterious by computational evidence, with a REVEL score of 0.919, which is greater than the MDEP VCEP threshold of 0.70 (PP3). This variant has an incomputable gnomAD v2.1.1 Grpmax filtering allele frequency due to 1 copy in the European non-Finnish subpopulation and 0 copies in any other subpopulation, thereby meeting the ClinGen MDEP threshold criteria for PM2_Supporting (ENF Grpmax FAF <= 0.000003 and <= 2 copies in ENF and <=1 copy in any other subpopulation) (PM2_Supporting). This variant was identified in 14 unrelated individuals with non- autoimmune and non-absolute/near-absolute insulin-deficient diabetes (PS4; internal lab contributors). Two of these individuals had a clinical history highly specific for HNF4A-monogenic diabetes (MODY probability calculator result >50%, negative genetic testing for HNF1A, and sufonylurea-sensitive) (PP4_Moderate; internal lab contributors). This variant segregated with diabetes, with 14 informative meioses in 6 families (PP1_Strong, internal lab contributors). In summary, c.869G>A meets the criteria to be classified as Pathogenic for monogenic diabetes. ACMG/AMP criteria applied, as specified by the ClinGen MDEP (specification version 2.0.0, approved 10/11/2023): PP1_Strong, PS4, PP4_Moderate, PP3, PM2_Supporting.

GeneDx
Classification: Pathogenic. Last evaluated: 2025-07-09. Review status: criteria provided, single submitter. Criteria: GeneDx Variant Classification Process June 2021. Collection method: clinical testing. Allele origin: germline. Affected: yes. Not counted in ClinVar's aggregate classification.
Comment: Not observed at significant frequency in large population cohorts (gnomAD); In silico analysis supports that this missense variant has a deleterious effect on protein structure/function; This variant is associated with the following publications: (PMID: 27552834, 34108472, 30663027, 26971647, 16917892, 25555642, 17407387, 23348805, 18811724, 19478207, 36208030, 36257325, 34440499)

Labcorp Genetics (formerly Invitae), Labcorp
Classification: Pathogenic. Last evaluated: 2024-12-24. Review status: criteria provided, single submitter. Criteria: Invitae Variant Classification Sherloc (09022015). Collection method: clinical testing. Allele origin: germline. Not counted in ClinVar's aggregate classification.
Comment: This sequence change replaces arginine, which is basic and polar, with histidine, which is basic and polar, at codon 290 of the HNF4A protein (p.Arg290His). The frequency data for this variant in the population databases is considered unreliable, as metrics indicate poor data quality at this position in the gnomAD database. This missense change has been observed in individuals with autosomal dominant familial hyperinsulinism and/or autosomal dominant maturity-onset diabetes of the young (PMID: 17407387, 26971647; internal data). It has also been observed to segregate with disease in related individuals. ClinVar contains an entry for this variant (Variation ID: 804918). Invitae Evidence Modeling of protein sequence and biophysical properties (such as structural, functional, and spatial information, amino acid conservation, physicochemical variation, residue mobility, and thermodynamic stability) has been performed for this missense variant. However, the output from this modeling did not meet the statistical confidence thresholds required to predict the impact of this variant on HNF4A protein function. This variant disrupts the p.Arg290 amino acid residue in HNF4A. Other variant(s) that disrupt this residue have been observed in individuals with HNF4A-related conditions (PMID: 30447144), which suggests that this may be a clinically significant amino acid residue. For these reasons, this variant has been classified as Pathogenic.

PreventionGenetics, part of Exact Sciences
Classification: Pathogenic for HNF4A-related condition. Last evaluated: 2024-12-06. Review status: criteria provided, single submitter. Criteria: ACMG Guidelines, 2015. Collection method: clinical testing. Allele origin: germline. Not counted in ClinVar's aggregate classification.
Comment: The HNF4A c.869G>A variant is predicted to result in the amino acid substitution p.Arg290His. This variant is alternatively referred to as p.Arg321His, p.Arg303His, and p.Arg312His in the literature (Ellard et al. 2006. PubMed ID: 16917892; Pearson et al. 2007. PubMed ID: 17407387; Plengvidhya et al. 2008. PubMed ID: 18811724) and has been reported in multiple individuals with maturity-onset diabetes of the young (MODY), segregating with disease in at least two families (see for example, Ellard et al. 2006. PubMed ID: 16917892; Zubkova et al. 2019. PubMed ID: 30663027; Supplementary Data 5, Goodrich et al. 2021. PubMed ID: 34108472). An alternate nucleotide change affecting the same amino acid (p.Arg290Cys) has been reported in multiple individuals and families affected with MODY (see for example, Özdemir et al. 2018. PubMed ID: 30447144; Caswell et al. 2020. PubMed ID: 32533152; Elashi et al. 2022. PubMed ID: 36613572). The c.869G>A variant is reported in 0.00090% of alleles in individuals of European (non-Finnish) descent in gnomAD. This variant is interpreted as pathogenic by the ClinGen Monogenic Diabetes Variant Curation Expert Panel in ClinVar. This variant is interpreted as pathogenic.

Blueprint Genetics
Classification: Pathogenic for HNF4A-related disorders. Last evaluated: 2024-11-26. Review status: criteria provided, single submitter. Criteria: ACMG Guidelines, 2015. Collection method: clinical testing. Allele origin: germline. Affected: yes. Observed: 1 variant allele. Not counted in ClinVar's aggregate classification.

Athena Diagnostics
Classification: Pathogenic. Last evaluated: 2024-09-13. Review status: criteria provided, single submitter. Criteria: Athena Diagnostics Criteria. Collection method: clinical testing. Allele origin: unknown. Not counted in ClinVar's aggregate classification.
Comment: The frequency of this variant in the general population is consistent with pathogenicity. This variant has been identified in multiple unrelated individuals with clinical features associated with this gene. In some published literature, this variant is referred to as c.869G>A (p.Arg290His) or c.908G>A (p.Arg303His). Polyphen and MutationTaster predict this amino acid change may be damaging to the protein. At least one other missense variant at this codon is considered to be pathogenic or likely pathogenic, suggesting this variant may also cause disease.

Women's Health and Genetics/Laboratory Corporation of America, LabCorp
Classification: Pathogenic for Maturity-onset diabetes of the young. Last evaluated: 2023-06-21. Review status: criteria provided, single submitter. Criteria: LabCorp Variant Classification Summary - May 2015. Collection method: clinical testing. Allele origin: germline. Not counted in ClinVar's aggregate classification.
Comment: Variant summary: HNF4A c.869G>A (p.Arg290His) results in a non-conservative amino acid change located in the nuclear hormone receptor, ligand-binding domain (IPR000536) of the encoded protein sequence. Five of five in-silico tools predict a damaging effect of the variant on protein function. The variant allele was found at a frequency of 4e-06 (i.e., 1 heterozygote) in 248094 control chromosomes (gnomAD v2.1, Exomes dataset). c.869G>A has been reported in the literature in multiple families affected with Maturity Onset Diabetes Of The Young and hyperinsulinism (e.g., Ellard_2006, Pearson_2007, Plengvidhya_2008, Colclough_2013, Zubkova_2019, Gaal_2021), and the variant has been shown to segregate with disease in related individuals (e.g., Pearson_2007). These data indicate that the variant is very likely to be associated with disease. The following publications have been ascertained in the context of this evaluation (PMID: 23348805, 16917892, 34440499, 17407387, 18811724, 30663027). Five submitters have reported clinical-significance assessments for this variant to ClinVar after 2014, citing the variant as pathogenic (n = 2), likely pathogenic (n = 2), and VUS (n = 1). Based on the evidence outlined above, the variant was classified as pathogenic.

Geisinger Clinic, Geisinger Health System
Classification: Pathogenic for Maturity-onset diabetes of the young type 1. Last evaluated: 2022-08-02. Review status: criteria provided, single submitter. Criteria: ACMG Guidelines, 2015. Collection method: research. Allele origin: germline. Inheritance: Autosomal dominant inheritance. Affected: yes. Observed: 1 variant allele. Not counted in ClinVar's aggregate classification.
Comment: PP3, PM2, PP1_Strong, PP4_Moderate, PS4